The following is an entry in ClinVar:

ClinVar aggregate classification (germline): Pathogenic. Review status: reviewed by expert panel (3 of 4 stars). 2 submissions from 2 submitters: Pathogenic (1). 1 of the submissions does not count toward it. Last evaluated 2020-12-07.

Conditions:
Phenylketonuria (PKU). Also called: Phenylketonuria (PKU); FOLLING DISEASE; OLIGOPHRENIA PHENYLPYRUVICA; Phenylketonurias. Identifiers: Orphanet 716, MedGen C0031485, MONDO:0009861, OMIM 261600. Disease mechanism: loss of function.

Submissions (2):

ClinGen PAH Variant Curation Expert Panel
Classification: Pathogenic for Phenylketonuria. Last evaluated: 2020-12-07. Review status: reviewed by expert panel. Criteria: ClinGen PAH ACMG Specifications v1. Collection method: curation. Allele origin: germline. Inheritance: Autosomal recessive inheritance.
Comment: This variant is absent from population databases gnomAD, 1000 Genomes and ESP. This variant in the -2 splice acceptor site of intron 6 disrupts the reading frame and is predicted to undergo nonsense mediated decay (NMD). The exon is present in biologically-relevant transcripts. In summary, this variant meets criteria to be classified as pathogenic for PAH. PAH-specific ACMG/AMP criteria applied: PVS1, PM2, PM3, PP4.

DeBelle Laboratory for Biochemical Genetics, MUHC/MCH RESEARCH INSTITUTE
No classification provided. Review status: no classification provided. Collection method: not provided. Allele origin: not provided. Not counted in ClinVar's aggregate classification.

NM_000277.3(PAH):c.707-2A>G

Gene: PAH (phenylalanine hydroxylase; minus strand). Cytogenetic location: 12q23.2.
Variant type: single nucleotide variant.
Coding change: c.707-2A>G on transcript NM_000277.3 (MANE Select); the canonical splice acceptor site of the intron before coding-DNA position 707, A replaced by G.
Molecular consequence: splice acceptor variant.
Genome position (GRCh38, 1-based): chr12:102,852,952, T>C on the plus strand (A>G on the coding strand, the complement: PAH is on the minus strand). VCF-style: chr12-102852952-T-C. GRCh37 (hg19) VCF-style: chr12-103246730-T-C.
Other names: c.707-2A>G (NM_001354304.2).
Identifiers: ClinVar variation 102794 (VCV000102794.2), dbSNP rs62514938, ClinGen allele CA229704.